The following is an entry in ClinVar:

NM_000089.4(COL1A2):c.1438A>C (p.Ile480Leu)

Gene: COL1A2 (collagen type I alpha 2 chain; plus strand). Cytogenetic location: 7q21.3.
Variant type: single nucleotide variant.
Coding change: c.1438A>C on transcript NM_000089.4 (MANE Select); coding-DNA position 1438, A replaced by C.
Protein change: p.Ile480Leu; replaces isoleucine 480 with leucine.
Molecular consequence: missense variant.
Genome position (GRCh38, 1-based): chr7:94,412,617, A>C. VCF-style: chr7-94412617-A-C. GRCh37 (hg19) VCF-style: chr7-94041929-A-C.
Other names: short protein forms I480L.
Identifiers: ClinVar variation 1008698 (VCV001008698.10), dbSNP rs778238943, ClinGen allele CA368221852.

ClinVar aggregate classification (germline): Uncertain significance (1 of 4 stars; one submission).

Conditions:
Osteogenesis imperfecta type I (OI1). Also called: OI, TYPE I; OSTEOGENESIS IMPERFECTA TARDA; OSTEOGENESIS IMPERFECTA WITH BLUE SCLERAE; Osteogenesis imperfecta type 1; Classic Non-deforming Osteogenesis Imperfecta with Blue Sclerae; Lobstein's Disease. Identifiers: Orphanet 216796, Orphanet 666, MedGen C0023931, MONDO:0008146, OMIM 166200. Disease mechanism: loss of function.
Ehlers-Danlos syndrome, classic type, 1 (EDSCL1). Also called: EHLERS-DANLOS SYNDROME, GRAVIS TYPE; EHLERS-DANLOS SYNDROME, SEVERE CLASSIC TYPE; EDS I; Ehlers-Danlos Syndrome, Classic Type, COL5A1-Related; Ehlers-Danlos syndrome, type 1. Identifiers: MedGen C0268335, MONDO:0019567, OMIM 130000.

gnomAD v4.1: 7 of 1,614,114 alleles (0.00043%); highest among the groups gnomAD compares: Non-Finnish European, 0.00059%; no homozygotes.

Submission:

Labcorp Genetics (formerly Invitae), Labcorp
Classification: Uncertain significance for Osteogenesis imperfecta type I; Ehlers-Danlos syndrome, classic type, 1. Last evaluated: 2020-10-26. Review status: criteria provided, single submitter. Criteria: Invitae Variant Classification Sherloc (09022015). Collection method: clinical testing. Allele origin: germline.
Comment: Advanced modeling of protein sequence and biophysical properties (such as structural, functional, and spatial information, amino acid conservation, physicochemical variation, residue mobility, and thermodynamic stability) performed at Invitae indicates that this missense variant is not expected to disrupt COL1A2 protein function. In summary, the available evidence is currently insufficient to determine the role of this variant in disease. Therefore, it has been classified as a Variant of Uncertain Significance. This variant has not been reported in the literature in individuals with COL1A2-related conditions. This variant is not present in population databases (ExAC no frequency). This sequence change replaces isoleucine with leucine at codon 480 of the COL1A2 protein (p.Ile480Leu). The isoleucine residue is moderately conserved and there is a small physicochemical difference between isoleucine and leucine.